The following is an entry in ClinVar:

ClinVar aggregate classification (germline): Uncertain significance (1 of 4 stars; one submission).

gnomAD v4.1: 9 of 1,613,746 alleles (0.00056%); highest among the groups gnomAD compares: East Asian, 0.0022%; no homozygotes.

Submission:

Labcorp Genetics (formerly Invitae), Labcorp
Classification: Uncertain significance. Last evaluated: 2024-11-04. Review status: criteria provided, single submitter. Criteria: Invitae Variant Classification Sherloc (09022015). Collection method: clinical testing. Allele origin: germline.
Comment: This sequence change replaces arginine, which is basic and polar, with tryptophan, which is neutral and slightly polar, at codon 1617 of the SPTA1 protein (p.Arg1617Trp). This variant is present in population databases (rs745646823, gnomAD 0.007%). This variant has not been reported in the literature in individuals affected with SPTA1-related conditions. Invitae Evidence Modeling of protein sequence and biophysical properties (such as structural, functional, and spatial information, amino acid conservation, physicochemical variation, residue mobility, and thermodynamic stability) indicates that this missense variant is not expected to disrupt SPTA1 protein function with a negative predictive value of 80%. In summary, the available evidence is currently insufficient to determine the role of this variant in disease. Therefore, it has been classified as a Variant of Uncertain Significance.

NM_003126.4(SPTA1):c.4849C>T (p.Arg1617Trp)

Gene: SPTA1 (spectrin alpha, erythrocytic 1; minus strand). Cytogenetic location: 1q23.1.
Variant type: single nucleotide variant.
Coding change: c.4849C>T on transcript NM_003126.4 (MANE Select); coding-DNA position 4849, C replaced by T.
Protein change: p.Arg1617Trp; replaces arginine 1617 with tryptophan.
Molecular consequence: missense variant.
Genome position (GRCh38, 1-based): chr1:158,639,896, G>A on the plus strand (C>T on the coding strand, the complement: SPTA1 is on the minus strand). VCF-style: chr1-158639896-G-A. GRCh37 (hg19) VCF-style: chr1-158609686-G-A.
Other names: short protein forms R1617W.
Identifiers: ClinVar variation 3678943 (VCV003678943.2).
Genomic context (GRCh38, chr1:158,639,896, plus strand): 5'-CTCTTGTGTCTCTACTGTTTCCGGGTGCAATTACCTCTGAGAGCCAGAACTCAAAGTCCC[G>A]GATGCTTGTGTTGAACCTCTGTTGACGACTGGCCTCATTGAGCTTCTTCCCTTTGTCATT-3'
Protein context (NP_003117.2, residues 1607-1627): SRQQRFNTSI[Arg1617Trp]DFEFWLSEAE